The following is an entry in ClinVar:

ClinVar aggregate classification (germline): Uncertain significance. Review status: criteria provided, multiple submitters, no conflicts (2 of 4 stars). 2 submissions from 2 submitters: Uncertain significance (2). Last evaluated 2025-02-15.

Conditions:
Intellectual disability, X-linked 61 (TOKAS). Also called: TONNE-KALSCHEUER SYNDROME. Identifiers: MedGen C4283894, MONDO:0010506, OMIM 300978.
Inborn genetic diseases. Identifiers: MedGen C0950123, MeSH D030342.

Allele frequency attached by ClinVar (database versions not stated): gnomAD 0.00001; TOPMed below 0.00001; ExAC 0.00001.
gnomAD v4.1: 57 of 1,210,066 alleles (0.0047%); highest among the groups gnomAD compares: Non-Finnish European, 0.006%; no homozygotes.

Submissions (3):

Ambry Genetics
Classification: Uncertain significance for Inborn genetic diseases. Last evaluated: 2025-02-15. Review status: criteria provided, single submitter. Criteria: Ambry Variant Classification Scheme 2023. Collection method: clinical testing. Allele origin: germline.

3billion
Classification: Uncertain significance for Intellectual disability, X-linked 61. Last evaluated: 2023-02-23. Review status: criteria provided, single submitter. Criteria: ACMG Guidelines, 2015. Collection method: clinical testing. Allele origin: unknown. Affected: yes.
Comment: The variant is observed at an extremely low frequency in the gnomAD v2.1.1 dataset (total allele frequency: 0.001%). Missense changes are a common disease-causing mechanism. Therefore, this variant is classified as VUS according to the recommendation of ACMG/AMP guideline.

Dr. Peter K. Rogan Lab, Western University
No classification provided (evidence only). Condition: Melanoma. Review status: no classification provided. Collection method: in vitro. Allele origin: not applicable. Functional consequence: retained intron. Not counted in ClinVar's aggregate classification.

NM_016120.4(RLIM):c.1115G>A (p.Arg372Gln)

Gene: RLIM (ring finger protein, LIM domain interacting; minus strand). Cytogenetic location: Xq13.2.
Variant type: single nucleotide variant.
Coding change: c.1115G>A on transcript NM_016120.4 (MANE Select); coding-DNA position 1115, G replaced by A.
Protein change: p.Arg372Gln; replaces arginine 372 with glutamine.
Molecular consequence: missense variant.
Genome position (GRCh38, 1-based): chrX:74,592,200, C>T on the plus strand (G>A on the coding strand, the complement: RLIM is on the minus strand). VCF-style: chrX-74592200-C-T. GRCh37 (hg19) VCF-style: chrX-73812035-C-T.
Other names: NC_000023.10:g.73812035C>T; c.1115G>A, p.Arg372Gln (NM_183353.3); c.1115G>A (NM_183353.2); short protein forms R372Q.
Identifiers: ClinVar variation 2444076 (VCV002444076.3), dbSNP rs764084971, ClinGen allele CA10454644.
Genomic context (GRCh38, chrX:74,592,200, plus strand): 5'-GTATTTAAGATTCTACGAATGGGAATTCTGATGGTACTGACATAGGTTCTCACACCTGCC[C>T]GCTCAGAACGTGAAAATGTACGCCTAAAACCTCCTCGTTCACTTTCATAGGTGACAGTGT-3'
Protein context (NP_057204.2, residues 362-382): GFRRTFSRSE[Arg372Gln]AGVRTYVSTI